The following is an entry in ClinVar:

ClinVar aggregate classification (germline): Likely pathogenic (1 of 4 stars; one submission).

Conditions:
Hermansky-Pudlak syndrome 2 (HPS2). Also called: Platelet defects and oculocutaneous albinism. Identifiers: Orphanet 183678, Orphanet 79430, MedGen C1842362, MONDO:0011997, OMIM 608233.

Submission:

Labcorp Genetics (formerly Invitae), Labcorp
Classification: Likely pathogenic for Hermansky-Pudlak syndrome 2. Last evaluated: 2025-07-16. Review status: criteria provided, single submitter. Criteria: Invitae Variant Classification Sherloc (09022015). Collection method: clinical testing. Allele origin: germline.
Comment: This variant results in the deletion of part of exon 18 (c.2072_2077+2del) of the AP3B1 gene. It is expected to disrupt RNA splicing. Variants that disrupt the donor or acceptor splice site typically lead to a loss of protein function (PMID: 16199547), and loss-of-function variants in AP3B1 are known to be pathogenic (PMID: 16507770, 23403622). This variant is not present in population databases (gnomAD no frequency). This variant has not been reported in the literature in individuals affected with AP3B1-related conditions. In summary, the currently available evidence indicates that the variant is pathogenic, but additional data are needed to prove that conclusively. Therefore, this variant has been classified as Likely Pathogenic.

Literature cited by the submitters: PubMed 16199547; PubMed 16507770; PubMed 23403622.

NM_003664.5(AP3B1):c.2072_2077+2del

Gene: AP3B1 (adaptor related protein complex 3 subunit beta 1; minus strand). Cytogenetic location: 5q14.1.
Variant type: Deletion.
Coding change: c.2072_2077+2del on transcript NM_003664.5 (MANE Select); coding-DNA position 2072 through the canonical splice donor site of the intron after coding-DNA position 2077, 8 bases deleted (ACAGTGGT; older notation c.2072_2077+2delACAGTGGT).
Molecular consequence: splice donor variant.
Genome position (GRCh38, 1-based): chr5:78,116,124-78,116,131, ACCACTGT deleted on the plus strand (ACAGTGGT on the coding strand, the reverse complement: AP3B1 is on the minus strand). VCF-style (leftmost placement, unchanged base first): chr5-78116123-CACCACTGT-C. GRCh37 (hg19) VCF-style: chr5-77411947-CACCACTGT-C.
Other names: c.1925_1930+2del (NM_001271769.2); c.2072_2077+2del (NM_001410752.1).
Identifiers: ClinVar variation 4723369 (VCV004723369.1).